The following is an entry in ClinVar:

NM_182894.3(VSX2):c.267del (p.Gln90fs)

Gene: VSX2 (visual system homeobox 2; plus strand). Cytogenetic location: 14q24.3.
Variant type: Deletion.
Coding change: c.267del on transcript NM_182894.3 (MANE Select); coding-DNA position 267, one base deleted (G; older notation c.267delG).
Protein change: p.Gln90fs; shifts the reading frame from glutamine 90.
Molecular consequence: frameshift variant.
Genome position (GRCh38, 1-based): chr14:74,239,828, G deleted. VCF-style (leftmost placement, unchanged base first): chr14-74239827-CG-C. GRCh37 (hg19) VCF-style: chr14-74706530-CG-C.
Other names: c.267delG (NM_182894.2); short protein forms Q90fs.
Identifiers: ClinVar variation 849052 (VCV000849052.9), dbSNP rs752288097, ClinGen allele CA7266262.
Genomic context (GRCh38, chr14:74,239,827, plus strand): 5'-GCCCCGCGGGGGTGGGCGGCATGGGGCTTCTGGGGCCCGGGGGGCTCCCTGGCTTCTACA[CG>C]CAGCCCACCTTCCTGGAAGTGCTGTCCGACCCGCAGAGCGTCCACTTGCAGCCATTGGGC-3'

ClinVar aggregate classification (germline): Pathogenic/Likely pathogenic. Review status: criteria provided, multiple submitters, no conflicts (2 of 4 stars). 3 submissions from 3 submitters: Pathogenic (1); Likely pathogenic (2). Last evaluated 2025-10-01.

Conditions:
Microphthalmia, isolated, with coloboma 3 (MCOPCB3). Also called: MICROPHTHALMIA/COLOBOMA 3; MICROPHTHALMIA, COLOBOMATOUS, 3. Identifiers: Orphanet 98938, MedGen C1864721, MONDO:0012408, OMIM 610092.
Isolated microphthalmia 2. Identifiers: Orphanet 2542, MedGen C1864720, MONDO:0012409, OMIM 610093.
Microphthalmia. Also called: Microphthalmos. Identifiers: MedGen C0026010, MONDO:0021129, HP:0000568.

Allele frequency attached by ClinVar (database versions not stated): gnomAD 0.00001; TOPMed 0.00001; gnomAD exomes 0.00003 and below 0.00001; ExAC 0.00010.

Submissions (3):

Natera, Inc.
Classification: Likely pathogenic for Microphthalmia. Last evaluated: 2025-10-01. Review status: criteria provided, single submitter. Criteria: Natera Variant Classification Schema (03/2026). Collection method: clinical testing. Allele origin: germline.
Comment: The c.267delG variant in VSX2 is a frameshift variant predicted to shift the reading frame beginning at codon 90 and leads to a stop codon 51 codons downstream. This variant is expected to result in nonsense mediated decay, truncation, or a dysfunctional protein product. This variant is rare in the general population with a frequency below the threshold expected for the associated phenotype(s). Given the available evidence, this variant is classified as Likely Pathogenic.

Labcorp Genetics (formerly Invitae), Labcorp
Classification: Pathogenic for Isolated microphthalmia 2. Last evaluated: 2024-02-18. Review status: criteria provided, single submitter. Criteria: Invitae Variant Classification Sherloc (09022015). Collection method: clinical testing. Allele origin: germline.
Comment: This sequence change creates a premature translational stop signal (p.Gln90Serfs*51) in the VSX2 gene. It is expected to result in an absent or disrupted protein product. Loss-of-function variants in VSX2 are known to be pathogenic (PMID: 20414678). The frequency data for this variant in the population databases is considered unreliable, as metrics indicate poor data quality at this position in the gnomAD database. This variant has not been reported in the literature in individuals affected with VSX2-related conditions. ClinVar contains an entry for this variant (Variation ID: 849052). For these reasons, this variant has been classified as Pathogenic.

Fulgent Genetics
Classification: Likely pathogenic for Microphthalmia, isolated, with coloboma 3; Isolated microphthalmia 2. Last evaluated: 2024-02-10. Review status: criteria provided, single submitter. Criteria: ACMG Guidelines, 2015. Collection method: clinical testing. Allele origin: germline.

Literature cited by the submitters: PubMed 20414678 (cited by Labcorp Genetics (formerly Invitae), Labcorp).